The following is an entry in ClinVar:

ClinVar aggregate classification (germline): Likely benign (0 of 4 stars; one submission).

Conditions:
DNMT3A-related disorder. Also called: DNMT3A-related disorders; DNMT3A-related condition.

gnomAD v4.1: 9 of 1,588,374 alleles (0.00057%); highest among the groups gnomAD compares: Non-Finnish European, 0.00077%; no homozygotes.

Submission:

PreventionGenetics, part of Exact Sciences
Classification: Likely benign for DNMT3A-related condition. Last evaluated: 2022-12-16. Review status: no assertion criteria provided. Collection method: clinical testing. Allele origin: germline.
Comment: This variant is classified as likely benign based on ACMG/AMP sequence variant interpretation guidelines (Richards et al. 2015 PMID: 25741868, with internal and published modifications).

NM_022552.5(DNMT3A):c.448+50C>G

Gene: DNMT3A (DNA methyltransferase 3 alpha; minus strand). Cytogenetic location: 2p23.3.
Variant type: single nucleotide variant.
Coding change: c.448+50C>G on transcript NM_022552.5 (MANE Select); 50 bases into the intron after coding-DNA position 448, C replaced by G.
Molecular consequence: intron variant. On other transcripts: synonymous variant (2).
Genome position (GRCh38, 1-based): chr2:25,282,391, G>C on the plus strand (C>G on the coding strand, the complement: DNMT3A is on the minus strand). VCF-style: chr2-25282391-G-C. GRCh37 (hg19) VCF-style: chr2-25505260-G-C.
Other names: c.498C>G, p.Pro166= (NM_001320892.2, NM_175630.1); c.448+50C>G (NM_175629.2).
Identifiers: ClinVar variation 3354236 (VCV003354236.1).